The following is an entry in ClinVar:

ClinVar aggregate classification (germline): Uncertain significance (1 of 4 stars; one submission).

Allele frequency attached by ClinVar (database versions not stated): gnomAD exomes below 0.00001; TOPMed below 0.00001.
gnomAD v4.1: 4 of 1,520,732 alleles (0.00026%); highest among the groups gnomAD compares: Non-Finnish European, 0.00035%; no homozygotes.

Submission:

Labcorp Genetics (formerly Invitae), Labcorp
Classification: Uncertain significance. Last evaluated: 2022-11-04. Review status: criteria provided, single submitter. Criteria: Invitae Variant Classification Sherloc (09022015). Collection method: clinical testing. Allele origin: germline.
Comment: This sequence change replaces lysine, which is basic and polar, with arginine, which is basic and polar, at codon 247 of the CDK13 protein (p.Lys247Arg). This variant is not present in population databases (gnomAD no frequency). This variant has not been reported in the literature in individuals affected with CDK13-related conditions. Advanced modeling of protein sequence and biophysical properties (such as structural, functional, and spatial information, amino acid conservation, physicochemical variation, residue mobility, and thermodynamic stability) performed at Invitae indicates that this missense variant is not expected to disrupt CDK13 protein function. In summary, the available evidence is currently insufficient to determine the role of this variant in disease. Therefore, it has been classified as a Variant of Uncertain Significance.

NM_003718.5(CDK13):c.740A>G (p.Lys247Arg)

Gene: CDK13 (cyclin dependent kinase 13; plus strand). Cytogenetic location: 7p14.1.
Variant type: single nucleotide variant.
Coding change: c.740A>G on transcript NM_003718.5 (MANE Select); coding-DNA position 740, A replaced by G.
Protein change: p.Lys247Arg; replaces lysine 247 with arginine.
Molecular consequence: missense variant.
Genome position (GRCh38, 1-based): chr7:39,951,381, A>G. VCF-style: chr7-39951381-A-G. GRCh37 (hg19) VCF-style: chr7-39990980-A-G.
Other names: c.740A>G, p.Lys247Arg (NM_031267.4); short protein forms K247R.
Identifiers: ClinVar variation 2715777 (VCV002715777.3), dbSNP rs1208229332, ClinGen allele CA367310381.